The following is an entry in ClinVar:

ClinVar aggregate classification (germline): Pathogenic (1 of 4 stars; one submission).

Submission:

GeneDx
Classification: Pathogenic. Last evaluated: 2015-09-29. Review status: criteria provided, single submitter. Criteria: GeneDx Variant Classification (06012015). Collection method: clinical testing. Allele origin: germline. Affected: yes.
Comment: The c.49+1 G>T splice site pathogenic variant in the CHM gene destroys the canonical splice donor site in intron 1. It is predicted to cause abnormal gene splicing, either leading to an abnormal message that is subject to nonsense-mediated mRNA decay, or to an abnormal protein product if the message is used for protein translation. The c.49+1 G>T variant was not observed in approximately 6,500 individuals of European and African American ancestry in the NHLBI Exome Sequencing Project, indicating it is not a common benign variant in these populations. Although this variant has not been previously reported to our knowledge, we interpret it to be pathogenic.

NM_000390.4(CHM):c.49+1G>T

Gene: CHM (CHM Rab escort protein; minus strand). Cytogenetic location: Xq21.2.
Variant type: single nucleotide variant.
Coding change: c.49+1G>T on transcript NM_000390.4 (MANE Select); the canonical splice donor site of the intron after coding-DNA position 49, G replaced by T.
Molecular consequence: splice donor variant.
Genome position (GRCh38, 1-based): chrX:86,047,483, C>A on the plus strand (G>T on the coding strand, the complement: CHM is on the minus strand). VCF-style: chrX-86047483-C-A. GRCh37 (hg19) VCF-style: chrX-85302487-C-A.
Other names: c.49+1G>T (NM_001145414.4).
Identifiers: ClinVar variation 279769 (VCV000279769.2), dbSNP rs886041174, ClinGen allele CA10603699.
Genomic context (GRCh38, chrX:86,047,483, plus strand): 5'-AAAAAACAGAAACAAGACAGTCTTCCTAAACTTTGTCCAGGAAGCACCAGGCTACACATA[C>A]CCGTCCCTATTACGATCACATCAAACTCCGAAGGGAGAGTATCCGCCATCTTGACGGGAA-3'